The following is an entry in ClinVar:

NM_001126108.2(SLC12A3):c.1703G>A (p.Trp568Ter)

Gene: SLC12A3 (solute carrier family 12 member 3; plus strand). Cytogenetic location: 16q13.
Variant type: single nucleotide variant.
Coding change: c.1703G>A on transcript NM_001126108.2 (MANE Select); coding-DNA position 1703, G replaced by A.
Protein change: p.Trp568Ter; replaces tryptophan 568 with a stop codon.
Molecular consequence: nonsense.
Genome position (GRCh38, 1-based): chr16:56,884,082, G>A. VCF-style: chr16-56884082-G-A. GRCh37 (hg19) VCF-style: chr16-56917994-G-A.
Other names: c.1703G>A, p.Trp568Ter (NM_000339.3); c.1700G>A, p.Trp567Ter (NM_001126107.2, NM_001410896.1); short protein forms W568*, W567*.
Identifiers: ClinVar variation 2843302 (VCV002843302.4), dbSNP rs2543515354, ClinGen allele CA395990396.
Genomic context (GRCh38, chr16:56,884,082, plus strand): 5'-GCCCACTGACTGGTGCCCTTGGCCCAGGGTGGAGACCTTCATTCCAATACTACAACAAGT[G>A]GGCGGCGCTGTTTGGGGCTATCATCTCCGTGGTCATCATGTTCCTCCTCACCTGGTGGGC-3'

ClinVar aggregate classification (germline): Pathogenic/Likely pathogenic. Review status: criteria provided, multiple submitters, no conflicts (2 of 4 stars). 2 submissions from 2 submitters: Pathogenic (1); Likely pathogenic (1). Last evaluated 2024-05-18.

Conditions:
Familial hypokalemia-hypomagnesemia (GTLMNS). Also called: HYPOMAGNESEMIA-HYPOKALEMIA, PRIMARY RENOTUBULAR, WITH HYPOCALCIURIA; POTASSIUM AND MAGNESIUM DEPLETION; gitelman syndrome. Identifiers: Orphanet 358, MedGen C0268450, MONDO:0009904, OMIM 263800.

Submissions (2):

Fulgent Genetics
Classification: Likely pathogenic for Familial hypokalemia-hypomagnesemia. Last evaluated: 2024-05-18. Review status: criteria provided, single submitter. Criteria: ACMG Guidelines, 2015. Collection method: clinical testing. Allele origin: germline.

Labcorp Genetics (formerly Invitae), Labcorp
Classification: Pathogenic. Last evaluated: 2023-11-01. Review status: criteria provided, single submitter. Criteria: Invitae Variant Classification Sherloc (09022015). Collection method: clinical testing. Allele origin: germline.
Comment: This sequence change creates a premature translational stop signal (p.Trp568*) in the SLC12A3 gene. It is expected to result in an absent or disrupted protein product. Loss-of-function variants in SLC12A3 are known to be pathogenic (PMID: 20848653, 22009145, 25841442). This variant is not present in population databases (gnomAD no frequency). This variant has not been reported in the literature in individuals affected with SLC12A3-related conditions. For these reasons, this variant has been classified as Pathogenic.

Literature cited by the submitters: PubMed 20848653 (cited by Labcorp Genetics (formerly Invitae), Labcorp); PubMed 22009145 (cited by Labcorp Genetics (formerly Invitae), Labcorp); PubMed 25841442 (cited by Labcorp Genetics (formerly Invitae), Labcorp).